The following is an entry in ClinVar:

ClinVar aggregate classification (germline): Benign (1 of 4 stars; one submission).

Conditions:
Ulnar-mammary syndrome (UMS). Also called: Ulnar-mammary syndrome of Pallister; PALLISTER ULNAR-MAMMARY SYNDROME; SCHINZEL SYNDROME. Identifiers: Orphanet 3138, MedGen C1866994, MONDO:0008411, OMIM 181450.

Allele frequency attached by ClinVar (database versions not stated): 1000 Genomes Project 0.00080; 1000 Genomes Project 30x 0.00125; TOPMed 0.00273; gnomAD 0.00290 and 0.00293.

Submissions (3):

Illumina Laboratory Services, Illumina
Classification: Benign for Ulnar-mammary syndrome. Last evaluated: 2018-01-12. Review status: criteria provided, single submitter. Criteria: ICSL Variant Classification Criteria 13 December 2019. Collection method: clinical testing. Allele origin: germline.
Comment: This variant was observed in the ICSL laboratory as part of a predisposition screen in an ostensibly healthy population. It had not been previously curated by ICSL or reported in the Human Gene Mutation Database (HGMD: prior to June 1st, 2018), and was therefore a candidate for classification through an automated scoring system. Utilizing variant allele frequency, disease prevalence and penetrance estimates, and inheritance mode, an automated score was calculated to assess if this variant is too frequent to cause the disease. Based on the score and internal cut-off values, a variant classified as benign is not then subjected to further curation. The score for this variant resulted in a classification of benign for this disease.

Dr. Peter K. Rogan Lab, Western University
No classification provided (evidence only). Condition: Cervical cancer. Review status: no classification provided. Collection method: in vitro. Allele origin: not applicable. Functional consequence: retained intron. Not counted in ClinVar's aggregate classification.

Dr. Peter K. Rogan Lab, Western University
No classification provided (evidence only). Condition: Cervical cancer. Review status: no classification provided. Collection method: in vitro. Allele origin: not applicable. Functional consequence: retained intron. Not counted in ClinVar's aggregate classification.

NM_005996.4(TBX3):c.*366A>T

Gene: TBX3 (T-box transcription factor 3; minus strand). Cytogenetic location: 12q24.21.
Variant type: single nucleotide variant.
Coding change: c.*366A>T on transcript NM_005996.4 (MANE Select); 366 bases downstream of the stop codon, A replaced by T.
Molecular consequence: 3 prime UTR variant.
Genome position (GRCh38, 1-based): chr12:114,671,475, T>A on the plus strand (A>T on the coding strand, the complement: TBX3 is on the minus strand). VCF-style: chr12-114671475-T-A. GRCh37 (hg19) VCF-style: chr12-115109280-T-A.
Other names: NC_000012.11:g.115109280T>A; c.*366A>T (NM_016569.4).
Identifiers: ClinVar variation 307345 (VCV000307345.6), dbSNP rs184058660, ClinGen allele CA10636565.
Genomic context (GRCh38, chr12:114,671,475, plus strand): 5'-TCCCGATTTTTTTTTTGAAAGATTTTGTTTTTGTTTCCACTTGACACAGTGAAGGAAAAA[T>A]ATATATATAAATCCGCACTGAGGGAGATGTCTTTGAACACCTCCCCGCCTGGTGGGCAGA-3'